The following is an entry in ClinVar:

ClinVar aggregate classification (germline): Uncertain significance (1 of 4 stars; one submission).

Conditions:
Inborn genetic diseases. Identifiers: MedGen C0950123, MeSH D030342.

Allele frequency attached by ClinVar (database versions not stated): ExAC 0.00001.
gnomAD v4.1: 2 of 1,613,186 alleles (0.00012%); highest among the groups gnomAD compares: East Asian, 0.0045%; no homozygotes.

Submission:

Ambry Genetics
Classification: Uncertain significance for Inborn genetic diseases. Last evaluated: 2022-10-04. Review status: criteria provided, single submitter. Criteria: Ambry Variant Classification Scheme 2023. Collection method: clinical testing. Allele origin: germline.
Comment: The p.L1128M variant (also known as c.3382C>A), located in coding exon 25 of the LRRK2 gene, results from a C to A substitution at nucleotide position 3382. The leucine at codon 1128 is replaced by methionine, an amino acid with highly similar properties. This amino acid position is conserved. In addition, this alteration is predicted to be tolerated by in silico analysis. Since supporting evidence is limited at this time, the clinical significance of this alteration remains unclear.

NM_198578.4(LRRK2):c.3382C>A (p.Leu1128Met)

Gene: LRRK2 (leucine rich repeat kinase 2; plus strand). Cytogenetic location: 12q12.
Variant type: single nucleotide variant.
Coding change: c.3382C>A on transcript NM_198578.4 (MANE Select); coding-DNA position 3382, C replaced by A.
Protein change: p.Leu1128Met; replaces leucine 1128 with methionine.
Molecular consequence: missense variant.
Genome position (GRCh38, 1-based): chr12:40,299,143, C>A. VCF-style: chr12-40299143-C-A. GRCh37 (hg19) VCF-style: chr12-40692945-C-A.
Other names: short protein forms L1128M.
Identifiers: ClinVar variation 1730827 (VCV001730827.2), dbSNP rs756260099, ClinGen allele CA6513891.
Genomic context (GRCh38, chr12:40,299,143, plus strand): 5'-ATCATTATCTTGTCTCTTGTGACTAGAAATAAAATATCAGGGATATGCTCCCCCTTGAGA[C>A]TGAAGGAACTGAAGATTTTAAACCTTAGTAAGAACCACATTTCATCCCTATCAGAGAACT-3'
Protein context (NP_940980.4, residues 1118-1138): KISGICSPLR[Leu1128Met]KELKILNLSK